The following is an entry in ClinVar:

ClinVar aggregate classification (germline): Pathogenic (1 of 4 stars; one submission).

Conditions:
Macrocephaly, acquired, with impaired intellectual development. Also called: MACROCEPHALY, ACQUIRED, WITH MENTAL RETARDATION. Identifiers: MedGen C4748993, MONDO:0032658, OMIM 618286.

Submission:

Pittsburgh Clinical Genomics Laboratory, University of Pittsburgh Medical Center
Classification: Pathogenic for Macrocephaly, acquired, with impaired intellectual development. Last evaluated: 2021-10-04. Review status: criteria provided, single submitter. Criteria: ACMG Guidelines, 2015. Collection method: clinical testing. Allele origin: germline. Inheritance: Autosomal dominant inheritance. Affected: yes.
Comment: This sequence variant is a single nucleotide substitution (C>G) which changes codon 290 of NFIB into an early termition codon. This variant is predicted to generate a non-functiol allele through either the expression of a truncated protein or a loss of NFIB expression due to nonsense-mediated decay. This is novel variant which has not been reported in clinical genetics databases or observed in the medical literature in individuals with NFIB-related disease, to our knowledge. This variant is absent from the gnomAD control population dataset (0/~246000 alleles). Loss of function variants in NFIB are known to be pathogenic. Based on the available evidence, we consider this variant to be pathogenic. ACMG Criteria: PM2, PM6, PP3, PVS1

NM_001190737.2(NFIB):c.870C>G (p.Tyr290Ter)

Gene: NFIB (nuclear factor I B; minus strand). Cytogenetic location: 9p23.
Variant type: single nucleotide variant.
Coding change: c.870C>G on transcript NM_001190737.2 (MANE Select); coding-DNA position 870, C replaced by G.
Protein change: p.Tyr290Ter; replaces tyrosine 290 with a stop codon.
Molecular consequence: nonsense. On other transcripts: non-coding transcript variant (4).
Genome position (GRCh38, 1-based): chr9:14,146,744, G>C on the plus strand (C>G on the coding strand, the complement: NFIB is on the minus strand). VCF-style: chr9-14146744-G-C. GRCh37 (hg19) VCF-style: chr9-14146743-G-C.
Other names: c.948C>G, p.Tyr316Ter (NM_001190738.2); c.114C>G, p.Tyr38Ter (NM_001282787.2); c.936C>G, p.Tyr312Ter (NM_001369458.1, NM_001369459.1, NM_001369462.1 and 1 more transcripts); c.858C>G, p.Tyr286Ter (NM_001369460.1, NM_001369463.1, NM_001369466.1 and 2 more transcripts); c.870C>G, p.Tyr290Ter (NM_001369461.1, NM_001369464.1, NM_001369471.1 and 2 more transcripts); c.843C>G, p.Tyr281Ter (NM_001369465.1, NM_001369467.1, NM_001369476.1); c.726C>G, p.Tyr242Ter (NM_001369469.1); c.633C>G, p.Tyr211Ter (NM_001369470.1, NM_001369478.1); and 4 more; short protein forms Y111*, Y211*, Y215*, Y242*, Y272*, Y281*, Y285*, Y286*.
Identifiers: ClinVar variation 3376240 (VCV003376240.1).